The following is an entry in ClinVar:

NM_000492.4(CFTR):c.961T>C (p.Ser321Pro)

Gene: CFTR (CF transmembrane conductance regulator; plus strand). Cytogenetic location: 7q31.2.
Variant type: single nucleotide variant.
Coding change: c.961T>C on transcript NM_000492.4 (MANE Select); coding-DNA position 961, T replaced by C.
Protein change: p.Ser321Pro; replaces serine 321 with proline.
Molecular consequence: missense variant.
Genome position (GRCh38, 1-based): chr7:117,540,191, T>C. VCF-style: chr7-117540191-T-C. GRCh37 (hg19) VCF-style: chr7-117180245-T-C.
Other names: short protein forms S321P.
Identifiers: ClinVar variation 4709522 (VCV004709522.1).

ClinVar aggregate classification (germline): Uncertain significance (1 of 4 stars; one submission).

Conditions:
Cystic fibrosis (CF). Also called: MUCOVISCIDOSIS. Identifiers: Orphanet 586, MedGen C0010674, MONDO:0009061, OMIM 219700. Disease mechanism: loss of function.

gnomAD v4.1: 1 of 1,614,144 alleles (0.000062%); highest among the groups gnomAD compares: Non-Finnish European, 0.000085%; no homozygotes.

Submission:

Labcorp Genetics (formerly Invitae), Labcorp
Classification: Uncertain significance for Cystic fibrosis. Last evaluated: 2025-10-24. Review status: criteria provided, single submitter. Criteria: Invitae Variant Classification Sherloc (09022015). Collection method: clinical testing. Allele origin: germline.
Comment: This sequence change replaces serine, which is neutral and polar, with proline, which is neutral and non-polar, at codon 321 of the CFTR protein (p.Ser321Pro). This variant is present in population databases (rs765443528, gnomAD 0.0009%). This variant has not been reported in the literature in individuals affected with CFTR-related conditions. Invitae Evidence Modeling of protein sequence and biophysical properties (such as structural, functional, and spatial information, amino acid conservation, physicochemical variation, residue mobility, and thermodynamic stability) indicates that this missense variant is expected to disrupt CFTR protein function with a positive predictive value of 80%. In summary, the available evidence is currently insufficient to determine the role of this variant in disease. Therefore, it has been classified as a Variant of Uncertain Significance.